The following is an entry in ClinVar:

NM_015557.3(CHD5):c.1751G>T (p.Arg584Leu)

Gene: CHD5 (chromodomain helicase DNA binding protein 5; minus strand). Cytogenetic location: 1p36.31.
Variant type: single nucleotide variant.
Coding change: c.1751G>T on transcript NM_015557.3 (MANE Select); coding-DNA position 1751, G replaced by T.
Protein change: p.Arg584Leu; replaces arginine 584 with leucine.
Molecular consequence: missense variant.
Genome position (GRCh38, 1-based): chr1:6,146,263, C>A on the plus strand (G>T on the coding strand, the complement: CHD5 is on the minus strand). VCF-style: chr1-6146263-C-A. GRCh37 (hg19) VCF-style: chr1-6206323-C-A.
Other names: short protein forms R584L.
Identifiers: ClinVar variation 4742132 (VCV004742132.1).

ClinVar aggregate classification (germline): Uncertain significance (1 of 4 stars; one submission).

gnomAD v4.1: 12 of 1,614,168 alleles (0.00074%); highest among the groups gnomAD compares: Non-Finnish European, 0.001%; no homozygotes.

Submission:

Labcorp Genetics (formerly Invitae), Labcorp
Classification: Uncertain significance. Last evaluated: 2025-09-17. Review status: criteria provided, single submitter. Criteria: Invitae Variant Classification Sherloc (09022015). Collection method: clinical testing. Allele origin: germline.
Comment: This sequence change replaces arginine, which is basic and polar, with leucine, which is neutral and non-polar, at codon 584 of the CHD5 protein (p.Arg584Leu). This variant is present in population databases (rs141210110, gnomAD 0.0009%). This variant has not been reported in the literature in individuals affected with CHD5-related conditions. Invitae Evidence Modeling of protein sequence and biophysical properties (such as structural, functional, and spatial information, amino acid conservation, physicochemical variation, residue mobility, and thermodynamic stability) indicates that this missense variant is expected to disrupt CHD5 protein function with a positive predictive value of 80%. In summary, the available evidence is currently insufficient to determine the role of this variant in disease. Therefore, it has been classified as a Variant of Uncertain Significance.